The following is an entry in ClinVar:

ClinVar aggregate classification (germline): Uncertain significance. Review status: criteria provided, multiple submitters, no conflicts (2 of 4 stars). 2 submissions from 2 submitters: Uncertain significance (2). Last evaluated 2026-02-25.

Allele frequency attached by ClinVar (database versions not stated): gnomAD 0.00001.
gnomAD v4.1: 2 of 1,539,512 alleles (0.00013%); highest among the groups gnomAD compares: Middle Eastern, 0.017%; no homozygotes.

Submissions (2):

GeneDx
Classification: Uncertain significance. Last evaluated: 2026-02-25. Review status: criteria provided, single submitter. Criteria: GeneDx Variant Classification Process June 2021. Collection method: clinical testing. Allele origin: germline.
Comment: Not observed at significant frequency in large population cohorts (gnomAD); In silico analysis supports that this missense variant has a deleterious effect on protein structure/function; Has not been previously published as pathogenic or benign to our knowledge; Reported using an alternate transcript of the gene

Laboratory for Molecular Medicine, Mass General Brigham Personalized Medicine
Classification: Uncertain significance. Last evaluated: 2015-06-12. Review status: criteria provided, single submitter. Criteria: LMM Criteria. Collection method: clinical testing. Allele origin: germline. Observed: 1 variant allele.
Comment: The p.Gln32Leu variant in TPM1 has not been previously reported in individuals w ith cardiomyopathy and data from large population studies are insufficient to de termine its frequency. Computational prediction tools and conservation analysis suggest that the p.Gln32Leu variant may impact the protein, though this informat ion is not predictive enough to determine pathogenicity. In summary, the clinica l significance of the p.Gln32Leu variant is uncertain.

Literature cited by the submitters: PubMed 24503780 (cited by Laboratory for Molecular Medicine, Mass General Brigham Personalized Medicine); PubMed 27532257 (cited by Laboratory for Molecular Medicine, Mass General Brigham Personalized Medicine).

NM_001018005.2(TPM1):c.240+4518A>T

Genes: TPM1 (tropomyosin 1; plus strand), TPM1-AS (TPM1 antisense RNA; minus strand), LOC130057222 (ATAC-STARR-seq lymphoblastoid silent region 6507; plus strand). Cytogenetic location: 15q22.2.
Variant type: single nucleotide variant.
Coding change: c.240+4518A>T on transcript NM_001018005.2 (MANE Select); 4518 bases into the intron after coding-DNA position 240, A replaced by T.
Molecular consequence: intron variant. On other transcripts: non-coding transcript variant (1), missense variant (8).
Genome position (GRCh38, 1-based): chr15:63,048,670, A>T. VCF-style: chr15-63048670-A-T. GRCh37 (hg19) VCF-style: chr15-63340869-A-T.
Other names: c.95A>T, p.Gln32Leu (NM_001018008.2, NM_001301289.2, NM_001330344.2 and 5 more transcripts); c.366+4518A>T (NM_001365778.1); c.240+4839A>T (NM_001018020.2, NM_001018007.2, NM_001301244.2); c.240+4518A>T (NM_001018006.2, NM_001365776.1, NM_001018004.2 and 3 more transcripts); short protein forms Q32L.
Identifiers: ClinVar variation 229343 (VCV000229343.6), dbSNP rs876658033, ClinGen allele CA10576994.